The following is an entry in ClinVar:

ClinVar aggregate classification (germline): Uncertain significance. Review status: criteria provided, multiple submitters, no conflicts (2 of 4 stars). 3 submissions from 3 submitters: Uncertain significance (2). 1 of the submissions does not count toward it. Last evaluated 2026-07-27.

Conditions:
Fanconi anemia (FA). Also called: Fanconi's anemia. Identifiers: Orphanet 84, MedGen C0015625, MeSH D005199, MONDO:0019391.
Inborn genetic diseases. Identifiers: MedGen C0950123, MeSH D030342.

Allele frequency attached by ClinVar (database versions not stated): TOPMed 0.00001.

Submissions (3):

Ambry Genetics
Classification: Uncertain significance for Inborn genetic diseases. Last evaluated: 2026-07-27. Review status: criteria provided, single submitter. Criteria: Ambry Variant Classification Scheme 2023. Collection method: clinical testing. Allele origin: germline.
Comment: The p.Q271H variant (also known as c.813G>C), located in coding exon 9 of the FANCA gene, results from a G to C substitution at nucleotide position 813. The glutamine at codon 271 is replaced by histidine, an amino acid with highly similar properties. This amino acid position is conserved. In addition, this alteration is predicted to be tolerated by in silico analysis. Based on the available evidence, the clinical significance of this variant remains unclear.

Labcorp Genetics (formerly Invitae), Labcorp
Classification: Uncertain significance for Fanconi anemia. Last evaluated: 2021-08-13. Review status: criteria provided, single submitter. Criteria: Invitae Variant Classification Sherloc (09022015). Collection method: clinical testing. Allele origin: germline.
Comment: This sequence change replaces glutamine with histidine at codon 271 of the FANCA protein (p.Gln271His). The glutamine residue is weakly conserved and there is a small physicochemical difference between glutamine and histidine. This variant is not present in population databases (ExAC no frequency). This variant has not been reported in the literature in individuals affected with FANCA-related conditions. Algorithms developed to predict the effect of missense changes on protein structure and function (SIFT, PolyPhen-2, Align-GVGD) all suggest that this variant is likely to be tolerated. In summary, the available evidence is currently insufficient to determine the role of this variant in disease. Therefore, it has been classified as a Variant of Uncertain Significance.

Natera, Inc.
Classification: Uncertain significance for Fanconi anemia. Last evaluated: 2025-05-08. Review status: no assertion criteria provided. Collection method: clinical testing. Allele origin: germline. Not counted in ClinVar's aggregate classification.

NM_000135.4(FANCA):c.813G>C (p.Gln271His)

Gene: FANCA (FA complementation group A; minus strand). Cytogenetic location: 16q24.3.
Variant type: single nucleotide variant.
Coding change: c.813G>C on transcript NM_000135.4 (MANE Select); coding-DNA position 813, G replaced by C.
Protein change: p.Gln271His; replaces glutamine 271 with histidine.
Molecular consequence: missense variant.
Genome position (GRCh38, 1-based): chr16:89,799,618, C>G on the plus strand (G>C on the coding strand, the complement: FANCA is on the minus strand). VCF-style: chr16-89799618-C-G. GRCh37 (hg19) VCF-style: chr16-89866026-C-G.
Other names: c.813G>C (LRG_495t1, NM_000135.3); c.813G>C, p.Gln271His (NM_001018112.3, NM_001286167.3); c.717G>C, p.Gln239His (NM_001351830.2); short protein forms Q271H, Q239H.
Identifiers: ClinVar variation 526322 (VCV000526322.8), dbSNP rs773057753, ClinGen allele CA397473526.